The following is an entry in ClinVar:

ClinVar aggregate classification (germline): Uncertain significance (1 of 4 stars; one submission).

Allele frequency attached by ClinVar (database versions not stated): gnomAD exomes below 0.00001; TOPMed below 0.00001.
gnomAD v4.1: 4 of 1,612,578 alleles (0.00025%); highest among the groups gnomAD compares: Non-Finnish European, 0.00034%; no homozygotes.

Submission:

Labcorp Genetics (formerly Invitae), Labcorp
Classification: Uncertain significance. Last evaluated: 2021-12-27. Review status: criteria provided, single submitter. Criteria: Invitae Variant Classification Sherloc (09022015). Collection method: clinical testing. Allele origin: germline.
Comment: Algorithms developed to predict the effect of sequence changes on RNA splicing suggest that this variant may create or strengthen a splice site. In summary, the available evidence is currently insufficient to determine the role of this variant in disease. Therefore, it has been classified as a Variant of Uncertain Significance. This sequence change affects codon 91 of the PRDM13 mRNA. It is a 'silent' change, meaning that it does not change the encoded amino acid sequence of the PRDM13 protein. This variant is not present in population databases (gnomAD no frequency). This variant has not been reported in the literature in individuals affected with PRDM13-related conditions.

NM_021620.4(PRDM13):c.273A>T (p.Gly91=)

Gene: PRDM13 (PR/SET domain 13; plus strand). Cytogenetic location: 6q16.2.
Variant type: single nucleotide variant.
Coding change: c.273A>T on transcript NM_021620.4 (MANE Select); coding-DNA position 273, A replaced by T.
Protein change: p.Gly91=; no amino-acid change (glycine 91 retained).
Molecular consequence: synonymous variant.
Genome position (GRCh38, 1-based): chr6:99,608,869, A>T. VCF-style: chr6-99608869-A-T. GRCh37 (hg19) VCF-style: chr6-100056745-A-T.
Identifiers: ClinVar variation 1982208 (VCV001982208.4), dbSNP rs1769991638, ClinGen allele CA451382432.